The following is an entry in ClinVar:

ClinVar aggregate classification (germline): Likely pathogenic (1 of 4 stars; one submission).

Conditions:
Hereditary nonpolyposis colorectal neoplasms. Identifiers: MedGen C0009405, MeSH D003123.

Submission:

Labcorp Genetics (formerly Invitae), Labcorp
Classification: Likely pathogenic for Hereditary nonpolyposis colorectal neoplasms. Last evaluated: 2022-06-27. Review status: criteria provided, single submitter. Criteria: Invitae Variant Classification Sherloc (09022015). Collection method: clinical testing. Allele origin: germline.
Comment: In summary, the currently available evidence indicates that the variant is pathogenic, but additional data are needed to prove that conclusively. Therefore, this variant has been classified as Likely Pathogenic. Algorithms developed to predict the effect of sequence changes on RNA splicing suggest that this variant may disrupt the consensus splice site. This variant has not been reported in the literature in individuals affected with PMS2-related conditions. This variant results in the deletion of part of exon 7 (c.706-73_748del) of the PMS2 gene. It is expected to disrupt RNA splicing. Variants that disrupt the donor or acceptor splice site typically lead to a loss of protein function (PMID: 16199547), and loss-of-function variants in PMS2 are known to be pathogenic (PMID: 21376568, 24362816). This variant is not present in population databases (gnomAD no frequency).

Literature cited by the submitters: PubMed 16199547; PubMed 21376568; PubMed 24362816.

NM_000535.7(PMS2):c.706-73_748del

Gene: PMS2 (PMS1 homolog 2, mismatch repair system component; minus strand). Cytogenetic location: 7p22.1.
Variant type: Deletion.
Coding change: c.706-73_748del on transcript NM_000535.7 (MANE Select); 73 bases into the intron before coding-DNA position 706 through coding-DNA position 748, 116 bases deleted.
Molecular consequence: splice acceptor variant.
Genome position (GRCh38, 1-based): chr7:5,997,381-5,997,496, 116 bases deleted. GRCh37 (hg19): chr7:6,037,017-6,037,132.
Other names: c.388-73_430del (NM_001322008.2, NM_001322007.2); c.301-73_343del (NM_001322010.2, NM_001322004.2, NM_001322003.2 and 2 more transcripts); c.133-73_175del (NM_001322013.2); c.-228-73_-186del (NM_001322012.2, NM_001322011.2); c.397-73_439del (NM_001322015.2); c.706-73_748del (NM_001322006.2, NM_001322014.2).
Identifiers: ClinVar variation 2011669 (VCV002011669.4), dbSNP rs2536225468, ClinGen allele CA1139771878.